The following is an entry in ClinVar:

ClinVar aggregate classification (germline): Pathogenic. Review status: criteria provided, multiple submitters, no conflicts (2 of 4 stars). 2 submissions from 2 submitters: Pathogenic (2). Last evaluated 2021-11-24.

Conditions:
Polycystic kidney disease 2 (PKD2). Also called: POLYCYSTIC KIDNEY DISEASE 2 WITH OR WITHOUT POLYCYSTIC LIVER DISEASE; Polycystic Kidney Disease 2, Autosomal Dominant; POLYCYSTIC KIDNEY DISEASE, ADULT, TYPE II. Identifiers: MedGen C2751306, MONDO:0013131, OMIM 613095.
Inborn genetic diseases. Identifiers: MedGen C0950123, MeSH D030342.

Submissions (2):

Ambry Genetics
Classification: Pathogenic for Inborn genetic diseases. Last evaluated: 2021-11-24. Review status: criteria provided, single submitter. Criteria: Ambry Variant Classification Scheme 2023. Collection method: clinical testing. Allele origin: germline.
Comment: The c.196_199dupGACC (p.P67Rfs*26) alteration, located in exon 1 (coding exon 1) of the PKD2 gene, consists of a duplication of GACC at position 196, causing a translational frameshift with a predicted alternate stop codon after 26 amino acids. This alteration is expected to result in loss of function by premature protein truncation or nonsense-mediated mRNA decay. This variant was not reported in population-based cohorts in the Genome Aggregation Database (gnomAD). This variant has been reported in a patient with autosomal dominant polycystic kidney disease (Tan, 2009). Based on the available evidence, this alteration is classified as pathogenic.

Cavalleri Lab, Royal College of Surgeons in Ireland
Classification: Pathogenic for Polycystic kidney disease 2. Last evaluated: 2020-02-05. Review status: criteria provided, single submitter. Criteria: ACMG Guidelines, 2015. Collection method: research. Allele origin: unknown. Inheritance: Autosomal dominant inheritance. Affected: yes.
Comment: PVS1, PM2, PP4

Literature cited by the submitters: PubMed 18837007 (cited by Ambry Genetics).

NM_000297.4(PKD2):c.196_199dup (p.Pro67fs)

Genes: PKD2 (polycystin 2, transient receptor potential cation channel; plus strand), LOC129992813 (ATAC-STARR-seq lymphoblastoid silent region 15559; plus strand). Cytogenetic location: 4q22.1.
Variant type: Duplication.
Coding change: c.196_199dup on transcript NM_000297.4 (MANE Select); coding-DNA positions 196 to 199, 4 bases duplicated (GACC; older notation c.196_199dupGACC).
Protein change: p.Pro67fs; shifts the reading frame from proline 67.
Molecular consequence: frameshift variant. On other transcripts: non-coding transcript variant (1).
Genome position (GRCh38, 1-based): chr4:88,007,929-88,007,932, GACC duplicated. VCF-style (leftmost placement, unchanged base first): chr4-88007928-G-GGACC. GRCh37 (hg19) VCF-style: chr4-88929080-G-GGACC.
Other names: c.195_196insGACC (NM_000297.4); c.196_199dupGACC (NM_000297.3); short protein forms P67fs.
Identifiers: ClinVar variation 873388 (VCV000873388.4), dbSNP rs1726231891, ClinGen allele CA1139658558.